The following is an entry in ClinVar:

ClinVar aggregate classification (germline): Pathogenic (1 of 4 stars; one submission).

Submission:

Labcorp Genetics (formerly Invitae), Labcorp
Classification: Pathogenic. Last evaluated: 2024-09-19. Review status: criteria provided, single submitter. Criteria: Invitae Variant Classification Sherloc (09022015). Collection method: clinical testing. Allele origin: germline.
Comment: This sequence change creates a premature translational stop signal (p.Lys1243*) in the CARMIL2 gene. It is expected to result in an absent or disrupted protein product. Loss-of-function variants in CARMIL2 are known to be pathogenic (PMID: 27647349, 28112205). This variant is not present in population databases (gnomAD no frequency). This variant has not been reported in the literature in individuals affected with CARMIL2-related conditions. For these reasons, this variant has been classified as Pathogenic.

Literature cited by the submitters: PubMed 27647349; PubMed 28112205.

NM_001013838.3(CARMIL2):c.3727A>T (p.Lys1243Ter)

Gene: CARMIL2 (capping protein regulator and myosin 1 linker 2; plus strand). Cytogenetic location: 16q22.1.
Variant type: single nucleotide variant.
Coding change: c.3727A>T on transcript NM_001013838.3 (MANE Select); coding-DNA position 3727, A replaced by T.
Protein change: p.Lys1243Ter; replaces lysine 1243 with a stop codon.
Molecular consequence: nonsense.
Genome position (GRCh38, 1-based): chr16:67,656,052, A>T. VCF-style: chr16-67656052-A-T. GRCh37 (hg19) VCF-style: chr16-67689955-A-T.
Other names: c.3619A>T, p.Lys1207Ter (NM_001317026.3); short protein forms K1243*, K1207*.
Identifiers: ClinVar variation 3720263 (VCV003720263.2).